The following is an entry in ClinVar:

ClinVar aggregate classification (germline): Uncertain significance (1 of 4 stars; one submission).

Conditions:
Hereditary cancer-predisposing syndrome. Also called: Hereditary Cancer Syndrome; Tumor predisposition; Hereditary neoplastic syndrome; Neoplastic Syndromes, Hereditary. Identifiers: Orphanet 140162, MedGen C0027672, MeSH D009386, MONDO:0015356.

Submission:

Ambry Genetics
Classification: Uncertain significance for Hereditary cancer-predisposing syndrome. Last evaluated: 2024-09-01. Review status: criteria provided, single submitter. Criteria: Ambry Variant Classification Scheme 2023. Collection method: clinical testing. Allele origin: germline.
Comment: The p.K317N variant (also known as c.951G>T), located in coding exon 4 of the MSH6 gene, results from a G to T substitution at nucleotide position 951. The lysine at codon 317 is replaced by asparagine, an amino acid with similar properties. This amino acid position is conserved. In addition, this alteration is predicted to be tolerated by in silico analysis. Based on the available evidence, the clinical significance of this variant remains unclear.

NM_000179.3(MSH6):c.951G>T (p.Lys317Asn)

Gene: MSH6 (mutS homolog 6; plus strand). Cytogenetic location: 2p16.3.
Variant type: single nucleotide variant.
Coding change: c.951G>T on transcript NM_000179.3 (MANE Select); coding-DNA position 951, G replaced by T.
Protein change: p.Lys317Asn; replaces lysine 317 with asparagine.
Molecular consequence: missense variant. On other transcripts: non-coding transcript variant (4), intron variant (1).
Genome position (GRCh38, 1-based): chr2:47,798,934, G>T. VCF-style: chr2-47798934-G-T. GRCh37 (hg19) VCF-style: chr2-48026073-G-T.
Other names: c.561G>T, p.Lys187Asn (NM_001281492.2); c.45G>T, p.Lys15Asn (NM_001281493.2, NM_001281494.2, NM_001406811.1 and 6 more transcripts); c.1047G>T, p.Lys349Asn (NM_001406795.1, NM_001406802.1); c.951G>T, p.Lys317Asn (NM_001406796.1, NM_001406798.1, NM_001406800.1 and 4 more transcripts); c.654G>T, p.Lys218Asn (NM_001406797.1, NM_001406801.1, NM_001406805.1 and 10 more transcripts); c.426G>T, p.Lys142Asn (NM_001406799.1, NM_001406806.1, NM_001406807.1); c.873G>T, p.Lys291Asn (NM_001406804.1); c.957G>T, p.Lys319Asn (NM_001406813.1); and 2 more; short protein forms K142N, K319N, K349N, K218N, K187N, K15N, K261N, K291N.
Identifiers: ClinVar variation 3398908 (VCV003398908.1).